The following is an entry in ClinVar:

NM_003361.4(UMOD):c.567C>T (p.Tyr189=)

Gene: UMOD (uromodulin; minus strand). Cytogenetic location: 16p12.3.
Variant type: single nucleotide variant.
Coding change: c.567C>T on transcript NM_003361.4 (MANE Select); coding-DNA position 567, C replaced by T.
Protein change: p.Tyr189=; no amino-acid change (tyrosine 189 retained).
Molecular consequence: synonymous variant. On other transcripts: non-coding transcript variant (1).
Genome position (GRCh38, 1-based): chr16:20,348,734, G>A on the plus strand (C>T on the coding strand, the complement: UMOD is on the minus strand). VCF-style: chr16-20348734-G-A. GRCh37 (hg19) VCF-style: chr16-20360056-G-A.
Other names: c.567C>T, p.Tyr189= (NM_001008389.3, NM_001378232.1, NM_001378233.1 and 3 more transcripts); c.666C>T, p.Tyr222= (NM_001278614.2).
Identifiers: ClinVar variation 64445 (VCV000064445.11), dbSNP rs387907553, ClinGen allele CA216156.

ClinVar aggregate classification (germline): Conflicting classifications of pathogenicity. Review status: criteria provided, conflicting classifications (1 of 4 stars). 3 submissions from 3 submitters: Uncertain significance (1); Likely benign (1). 1 of the submissions does not count toward it. Last evaluated 2025-04-03.

Conditions:
Kidney disorder. Also called: Kidney disease; Kidney Diseases; renal disorder; renal disease; Nephropathy. Identifiers: MedGen C0022658, MONDO:0005240, HP:0000112.

Allele frequency attached by ClinVar (database versions not stated): ExAC below 0.00001; gnomAD 0.00007; TOPMed 0.00010.
gnomAD v4.1: 271 of 1,546,164 alleles (0.018%); highest among the groups gnomAD compares: Non-Finnish European, 0.022%; no homozygotes.

Submissions (3):

Labcorp Genetics (formerly Invitae), Labcorp
Classification: Likely benign. Last evaluated: 2025-04-03. Review status: criteria provided, single submitter. Criteria: Invitae Variant Classification Sherloc (09022015). Collection method: clinical testing. Allele origin: germline.

Genome Diagnostics Laboratory, The Hospital for Sick Children
Classification: Uncertain significance for Kidney disorder. Last evaluated: 2017-11-01. Review status: criteria provided, single submitter. Criteria: ACMG Guidelines, 2015. Collection method: clinical testing. Allele origin: germline.

Martin Pollak Laboratory,  Beth Israel Deaconess Medical Center
Classification: Uncertain significance. Review status: no assertion criteria provided. Collection method: not provided. Allele origin: unknown. Not counted in ClinVar's aggregate classification.
Comment: Higher UCa2+ group
ClinVar note: Converted during submission from unknown to Uncertain significance.